The following is an entry in ClinVar:

NM_032664.3(POFUT3):c.1413G>A (p.Glu471=)

Gene: POFUT3 (protein O-fucosyltransferase 3; minus strand). Cytogenetic location: 8p12.
Variant type: single nucleotide variant.
Coding change: c.1413G>A on transcript NM_032664.3 (MANE Select); coding-DNA position 1413, G replaced by A.
Protein change: p.Glu471=; no amino-acid change (glutamic acid 471 retained).
Molecular consequence: synonymous variant.
Genome position (GRCh38, 1-based): chr8:33,372,604, C>T on the plus strand (G>A on the coding strand, the complement: POFUT3 is on the minus strand). VCF-style: chr8-33372604-C-T. GRCh37 (hg19) VCF-style: chr8-33230122-C-T.
Identifiers: ClinVar variation 2658529 (VCV002658529.24), dbSNP rs144464494, ClinGen allele CA4706256.

ClinVar aggregate classification (germline): Likely benign (1 of 4 stars; one submission).

Allele frequency attached by ClinVar (database versions not stated): ESP Exome Variant Server 0.00031; TOPMed 0.00053; gnomAD 0.00054; gnomAD exomes 0.00123; ExAC 0.00130.
gnomAD v4.1: 1,868 of 1,613,828 alleles (0.12%); highest among the groups gnomAD compares: Non-Finnish European, 0.15%; 2 homozygotes.

Submission:

CeGaT Center for Human Genetics Tuebingen
Classification: Likely benign. Last evaluated: 2022-10-01. Review status: criteria provided, single submitter. Criteria: CeGaT Center For Human Genetics Tuebingen Variant Classification Criteria Version 2. Collection method: clinical testing. Allele origin: germline. Affected: yes. Observed: 1 variant allele.
Comment: POFUT3: BP4, BP7